The following is an entry in ClinVar:

ClinVar aggregate classification (germline): Uncertain significance (1 of 4 stars; one submission).

Submission:

GeneDx
Classification: Uncertain significance. Last evaluated: 2025-04-12. Review status: criteria provided, single submitter. Criteria: GeneDx Variant Classification Process June 2021. Collection method: clinical testing. Allele origin: germline. Affected: yes.
Comment: Not observed at significant frequency in large population cohorts (gnomAD); In silico analysis indicates that this missense variant does not alter protein structure/function; Has not been previously published as pathogenic or benign to our knowledge

NM_005334.3(HCFC1):c.2690C>A (p.Ala897Glu)

Gene: HCFC1 (host cell factor C1; minus strand). Cytogenetic location: Xq28.
Variant type: single nucleotide variant.
Coding change: c.2690C>A on transcript NM_005334.3 (MANE Select); coding-DNA position 2690, C replaced by A.
Protein change: p.Ala897Glu; replaces alanine 897 with glutamic acid.
Molecular consequence: missense variant.
Genome position (GRCh38, 1-based): chrX:153,956,357, G>T on the plus strand (C>A on the coding strand, the complement: HCFC1 is on the minus strand). VCF-style: chrX-153956357-G-T. GRCh37 (hg19) VCF-style: chrX-153221808-G-T.
Other names: c.2690C>A, p.Ala897Glu (NM_001410705.1, NM_001440843.1, NM_001440844.1 and 5 more transcripts); c.2492C>A, p.Ala831Glu (NM_001440850.1, NM_001440851.1); short protein forms A831E, A897E.
Identifiers: ClinVar variation 4282196 (VCV004282196.1).
Genomic context (GRCh38, chrX:153,956,357, plus strand): 5'-GCAATGGTGCCCAAGGTGGTGATGGGCGTGGCCAGGGAAGCACTAGTGCTGTGGCCCCCC[G>T]CCCCGGCAAGGCTGGTGGAGACGGTGCCTGTCACTGTGCCTAGGGTCGTGACACCTGAAG-3'
Protein context (NP_005325.2, residues 887-907): TGTVSTSLAG[Ala897Glu]GGHSTSASLA